The following is an entry in ClinVar:

NM_002528.7(NTHL1):c.212del (p.Ala71fs)

Gene: NTHL1 (nth like DNA glycosylase 1; minus strand). Cytogenetic location: 16p13.3.
Variant type: Deletion.
Coding change: c.212del on transcript NM_002528.7 (MANE Select); coding-DNA position 212, one base deleted (C; older notation c.212delC).
Protein change: p.Ala71fs; shifts the reading frame from alanine 71.
Molecular consequence: frameshift variant. On other transcripts: intron variant (1).
Genome position (GRCh38, 1-based): chr16:2,046,270, G deleted on the plus strand (C on the coding strand, the reverse complement: NTHL1 is on the minus strand). VCF-style (leftmost placement, unchanged base first): chr16-2046269-AG-A. GRCh37 (hg19) VCF-style: chr16-2096270-AG-A.
Other names: c.212del, p.Ala71fs (NM_001318193.2); c.24+10del (NM_001318194.2); short protein forms A71fs.
Identifiers: ClinVar variation 2783362 (VCV002783362.4), dbSNP rs2548320697, ClinGen allele CA2739269912.
Genomic context (GRCh38, chr16:2,046,269, plus strand): 5'-GATGTTGACCAGCTGTTGCTGCCAGTCCTGGGGCTCCCAGACTGGCACCTTGAGGGGCTC[AG>A]CCCCCTCACCTTTCTCACTGTCCGAGCCCTCATAGGCCACACGCAGTCTCTGTGCTTTCC-3'

ClinVar aggregate classification (germline): Pathogenic/Likely pathogenic. Review status: criteria provided, multiple submitters, no conflicts (2 of 4 stars). 2 submissions from 2 submitters: Pathogenic (1); Likely pathogenic (1). Last evaluated 2024-03-15.

Conditions:
NTHL1-related disorder. Also called: NTHL1-related conditions; NTHL1-related condition.

Submissions (2):

Blueprint Genetics
Classification: Likely pathogenic for NTHL1-related disorders. Last evaluated: 2024-03-15. Review status: criteria provided, single submitter. Criteria: ACMG Guidelines, 2015. Collection method: clinical testing. Allele origin: germline. Affected: yes. Observed: 1 variant allele.

Labcorp Genetics (formerly Invitae), Labcorp
Classification: Pathogenic. Last evaluated: 2023-05-07. Review status: criteria provided, single submitter. Criteria: Invitae Variant Classification Sherloc (09022015). Collection method: clinical testing. Allele origin: germline.
Comment: For these reasons, this variant has been classified as Pathogenic. Algorithms developed to predict the effect of sequence changes on RNA splicing suggest that this variant may create or strengthen a splice site. This variant has not been reported in the literature in individuals affected with NTHL1-related conditions. This variant is not present in population databases (gnomAD no frequency). This sequence change creates a premature translational stop signal (p.Ala79Valfs*24) in the NTHL1 gene. It is expected to result in an absent or disrupted protein product. Loss-of-function variants in NTHL1 are known to be pathogenic (PMID: 25938944, 26559593).

Literature cited by the submitters: PubMed 25938944 (cited by Labcorp Genetics (formerly Invitae), Labcorp); PubMed 26559593 (cited by Labcorp Genetics (formerly Invitae), Labcorp).